The following is an entry in ClinVar:

ClinVar aggregate classification (germline): Uncertain significance. Review status: criteria provided, multiple submitters, no conflicts (2 of 4 stars). 3 submissions from 3 submitters: Uncertain significance (3). Last evaluated 2024-05-29.

Conditions:
Hereditary cancer-predisposing syndrome. Also called: Tumor predisposition; Hereditary Cancer Syndrome; Hereditary neoplastic syndrome; Neoplastic Syndromes, Hereditary. Identifiers: Orphanet 140162, MedGen C0027672, MeSH D009386, MONDO:0015356.
Mitochondrial complex II deficiency, nuclear type 1. Also called: SUCCINATE CoQ REDUCTASE DEFICIENCY. Identifiers: Orphanet 3208, MedGen C5700310, MONDO:0100294, OMIM 252011.
Pheochromocytoma/paraganglioma syndrome 5. Also called: Paragangliomas 5; SDHA-Related Hereditary Paraganglioma-Pheochromocytoma Syndrome. Identifiers: Orphanet 29072, MedGen C3279992, MONDO:0013602, OMIM 614165.

Allele frequency attached by ClinVar (database versions not stated): TOPMed below 0.00001; gnomAD exomes 0.00001.
gnomAD v4.1: 11 of 1,614,026 alleles (0.00068%); highest among the groups gnomAD compares: Non-Finnish European, 0.00093%; no homozygotes.

Submissions (3):

Labcorp Genetics (formerly Invitae), Labcorp
Classification: Uncertain significance for Pheochromocytoma/paraganglioma syndrome 5; Mitochondrial complex II deficiency, nuclear type 1. Last evaluated: 2024-05-29. Review status: criteria provided, single submitter. Criteria: Invitae Variant Classification Sherloc (09022015). Collection method: clinical testing. Allele origin: germline.
Comment: This sequence change replaces isoleucine, which is neutral and non-polar, with methionine, which is neutral and non-polar, at codon 247 of the SDHA protein (p.Ile247Met). This variant is not present in population databases (gnomAD no frequency). This variant has not been reported in the literature in individuals affected with SDHA-related conditions. ClinVar contains an entry for this variant (Variation ID: 1369879). Advanced modeling of protein sequence and biophysical properties (such as structural, functional, and spatial information, amino acid conservation, physicochemical variation, residue mobility, and thermodynamic stability) performed at Invitae indicates that this missense variant is not expected to disrupt SDHA protein function with a negative predictive value of 95%. In summary, the available evidence is currently insufficient to determine the role of this variant in disease. Therefore, it has been classified as a Variant of Uncertain Significance.

GeneDx
Classification: Uncertain significance. Last evaluated: 2023-11-28. Review status: criteria provided, single submitter. Criteria: GeneDx Variant Classification Process June 2021. Collection method: clinical testing. Allele origin: germline. Affected: yes.
Comment: Not observed at significant frequency in large population cohorts (gnomAD); In silico analysis supports that this missense variant does not alter protein structure/function; Has not been previously published as pathogenic or benign to our knowledge

Ambry Genetics
Classification: Uncertain significance for Hereditary cancer-predisposing syndrome. Last evaluated: 2023-01-14. Review status: criteria provided, single submitter. Criteria: Ambry Variant Classification Scheme 2023. Collection method: clinical testing. Allele origin: germline.
Comment: The p.I247M variant (also known as c.741A>G), located in coding exon 6 of the SDHA gene, results from an A to G substitution at nucleotide position 741. The isoleucine at codon 247 is replaced by methionine, an amino acid with highly similar properties. This amino acid position is conserved. In addition, this alteration is predicted to be tolerated by in silico analysis. Since supporting evidence is limited at this time, the clinical significance of this alteration remains unclear.

NM_004168.4(SDHA):c.741A>G (p.Ile247Met)

Gene: SDHA (succinate dehydrogenase complex flavoprotein subunit A; plus strand). Cytogenetic location: 5p15.33.
Variant type: single nucleotide variant.
Coding change: c.741A>G on transcript NM_004168.4 (MANE Select); coding-DNA position 741, A replaced by G.
Protein change: p.Ile247Met; replaces isoleucine 247 with methionine.
Molecular consequence: missense variant.
Genome position (GRCh38, 1-based): chr5:228,304, A>G. VCF-style: chr5-228304-A-G. GRCh37 (hg19) VCF-style: chr5-228419-A-G.
Other names: c.741A>G (NM_004168.2); c.597A>G, p.Ile199Met (NM_001294332.2); c.741A>G, p.Ile247Met (NM_001330758.2); short protein forms I199M, I247M.
Identifiers: ClinVar variation 1369879 (VCV001369879.10), dbSNP rs1735177782, ClinGen allele CA359011142.